The following is an entry in ClinVar:

ClinVar aggregate classification (germline): Uncertain significance. Review status: criteria provided, multiple submitters, no conflicts (2 of 4 stars). 3 submissions from 3 submitters: Uncertain significance (3). Last evaluated 2025-03-03.

Conditions:
Developmental delay, hypotonia, musculoskeletal defects, and behavioral abnormalities. Identifiers: MedGen C5562012, MONDO:0859202, OMIM 619595.
Floating-Harbor syndrome (FLHS). Also called: SRCAP-Related Floating-Harbor Syndrome; Short stature with delayed bone age, expressive language delay, a triangular face with a prominent nose and deep-set eyes; Pelletier-Leisti syndrome. Identifiers: Orphanet 2044, MedGen C0729582, MONDO:0007621, OMIM 136140.
SRCAP-related disorder. Also called: SRCAP-related condition.

Allele frequency attached by ClinVar (database versions not stated): gnomAD exomes below 0.00001; ExAC 0.00001; gnomAD 0.00002; ESP Exome Variant Server 0.00008.

Submissions (3):

PreventionGenetics, part of Exact Sciences
Classification: Uncertain significance for SRCAP-related condition. Last evaluated: 2025-03-03. Review status: criteria provided, single submitter. Criteria: ACMG Guidelines, 2015. Collection method: clinical testing. Allele origin: germline.
Comment: The SRCAP c.2590C>T variant is predicted to result in the amino acid substitution p.Arg864Cys. To our knowledge, this variant has not been reported in the literature. This variant is reported in 0.0015% of alleles in individuals of European (Non-Finnish) descent in gnomAD. At this time, the clinical significance of this variant is uncertain due to the absence of conclusive functional and genetic evidence.

Fulgent Genetics
Classification: Uncertain significance for Floating-Harbor syndrome; Developmental delay, hypotonia, musculoskeletal defects, and behavioral abnormalities. Last evaluated: 2024-05-12. Review status: criteria provided, single submitter. Criteria: ACMG Guidelines, 2015. Collection method: clinical testing. Allele origin: germline.

Labcorp Genetics (formerly Invitae), Labcorp
Classification: Uncertain significance. Last evaluated: 2023-12-02. Review status: criteria provided, single submitter. Criteria: Invitae Variant Classification Sherloc (09022015). Collection method: clinical testing. Allele origin: germline.
Comment: This sequence change replaces arginine, which is basic and polar, with cysteine, which is neutral and slightly polar, at codon 864 of the SRCAP protein (p.Arg864Cys). This variant is present in population databases (rs150750179, gnomAD 0.002%). This variant has not been reported in the literature in individuals affected with SRCAP-related conditions. Advanced modeling of protein sequence and biophysical properties (such as structural, functional, and spatial information, amino acid conservation, physicochemical variation, residue mobility, and thermodynamic stability) performed at Invitae indicates that this missense variant is not expected to disrupt SRCAP protein function with a negative predictive value of 80%. In summary, the available evidence is currently insufficient to determine the role of this variant in disease. Therefore, it has been classified as a Variant of Uncertain Significance.

NM_006662.3(SRCAP):c.2590C>T (p.Arg864Cys)

Gene: SRCAP (Snf2 related CREBBP activator protein; plus strand). Cytogenetic location: 16p11.2.
Variant type: single nucleotide variant.
Coding change: c.2590C>T on transcript NM_006662.3 (MANE Select); coding-DNA position 2590, C replaced by T.
Protein change: p.Arg864Cys; replaces arginine 864 with cysteine.
Molecular consequence: missense variant.
Genome position (GRCh38, 1-based): chr16:30,716,162, C>T. VCF-style: chr16-30716162-C-T. GRCh37 (hg19) VCF-style: chr16-30727483-C-T.
Other names: c.2590C>T (NM_006662.2); short protein forms R864C.
Identifiers: ClinVar variation 2713198 (VCV002713198.5), dbSNP rs150750179, ClinGen allele CA8011246.